The following is an entry in ClinVar:

NM_000340.2(SLC2A2):c.661C>T (p.Leu221=)

Gene: SLC2A2 (solute carrier family 2 member 2; minus strand). Cytogenetic location: 3q26.2.
Variant type: single nucleotide variant.
Coding change: c.661C>T on transcript NM_000340.2 (MANE Select); coding-DNA position 661, C replaced by T.
Protein change: p.Leu221=; no amino-acid change (leucine 221 retained).
Molecular consequence: synonymous variant.
Genome position (GRCh38, 1-based): chr3:171,006,057, G>A on the plus strand (C>T on the coding strand, the complement: SLC2A2 is on the minus strand). VCF-style: chr3-171006057-G-A. GRCh37 (hg19) VCF-style: chr3-170723846-G-A.
Other names: c.304C>T, p.Leu102= (NM_001278658.2); c.142C>T, p.Leu48= (NM_001278659.2).
Identifiers: ClinVar variation 255899 (VCV000255899.52), dbSNP rs5405, ClinGen allele CA2702608.

ClinVar aggregate classification (germline): Benign/Likely benign. Review status: criteria provided, multiple submitters, no conflicts (2 of 4 stars). 8 submissions from 8 submitters: Benign (4); Likely benign (3). 1 of the submissions does not count toward it. Last evaluated 2026-01-02.

Conditions:
SLC2A2-related disorder. Also called: SLC2A2-related condition.
Fanconi-Bickel syndrome (FBS). Also called: FANCONI SYNDROME WITH INTESTINAL MALABSORPTION AND GALACTOSE INTOLERANCE; HEPATIC GLYCOGENOSIS WITH AMINO ACIDURIA AND GLUCOSURIA; HEPATIC GLYCOGENOSIS WITH FANCONI NEPHROPATHY; HEPATORENAL GLYCOGENOSIS WITH RENAL FANCONI SYNDROME; PSEUDO-PHLORIZIN DIABETES; Glycogen storage disease due to GLUT2 deficiency. Identifiers: Orphanet 2088, MedGen C3495427, MONDO:0009216, OMIM 227810.

Allele frequency attached by ClinVar (database versions not stated): gnomAD exomes 0.00042 and 0.00098; ExAC 0.00115; gnomAD 0.00354 and 0.00373; 1000 Genomes Project 0.00399; 1000 Genomes Project 30x 0.00406; TOPMed 0.00421; ESP Exome Variant Server 0.00492.
gnomAD v4.1: 1,211 of 1,612,620 alleles (0.075%); highest among the groups gnomAD compares: African/African-American, 1.3%; 15 homozygotes.

Submissions (8):

Labcorp Genetics (formerly Invitae), Labcorp
Classification: Benign for Fanconi-Bickel syndrome. Last evaluated: 2026-01-02. Review status: criteria provided, single submitter. Criteria: Invitae Variant Classification Sherloc (09022015). Collection method: clinical testing. Allele origin: germline.

Blueprint Genetics
Classification: Likely benign. Last evaluated: 2024-11-13. Review status: criteria provided, single submitter. Criteria: ACMG Guidelines, 2015. Collection method: clinical testing. Allele origin: germline.

CeGaT Center for Human Genetics Tuebingen
Classification: Benign. Last evaluated: 2022-10-01. Review status: criteria provided, single submitter. Criteria: CeGaT Center For Human Genetics Tuebingen Variant Classification Criteria Version 2. Collection method: clinical testing. Allele origin: germline. Affected: yes. Observed: 1 variant allele.
Comment: SLC2A2: BP4, BP7, BS1, BS2

Illumina Laboratory Services, Illumina
Classification: Benign for Fanconi-Bickel syndrome. Last evaluated: 2018-01-13. Review status: criteria provided, single submitter. Criteria: ICSL Variant Classification Criteria 13 December 2019. Collection method: clinical testing. Allele origin: germline.
Comment: This variant was observed in the ICSL laboratory as part of a predisposition screen in an ostensibly healthy population. It had not been previously curated by ICSL or reported in the Human Gene Mutation Database (HGMD: prior to June 1st, 2018), and was therefore a candidate for classification through an automated scoring system. Utilizing variant allele frequency, disease prevalence and penetrance estimates, and inheritance mode, an automated score was calculated to assess if this variant is too frequent to cause the disease. Based on the score and internal cut-off values, a variant classified as benign is not then subjected to further curation. The score for this variant resulted in a classification of benign for this disease.

GeneDx
Classification: Benign. Last evaluated: 2017-08-31. Review status: criteria provided, single submitter. Criteria: GeneDx Variant Classification (06012015). Collection method: clinical testing. Allele origin: germline. Affected: yes.
Comment: This variant is considered likely benign or benign based on one or more of the following criteria: it is a conservative change, it occurs at a poorly conserved position in the protein, it is predicted to be benign by multiple in silico algorithms, and/or has population frequency not consistent with disease.

Genetic Services Laboratory, University of Chicago
Classification: Likely benign. Last evaluated: 2016-02-15. Review status: criteria provided, single submitter. Criteria: ACMG Guidelines, 2015. Collection method: clinical testing. Allele origin: germline. Affected: no.

Breakthrough Genomics
Classification: Likely benign. Review status: criteria provided, single submitter. Criteria: ACMG Guidelines, 2015. Collection method: not provided. Allele origin: germline. Inheritance: Autosomal recessive inheritance. Affected: yes.

PreventionGenetics, part of Exact Sciences
Classification: Benign for SLC2A2-related condition. Last evaluated: 2019-05-20. Review status: no assertion criteria provided. Collection method: clinical testing. Allele origin: germline. Not counted in ClinVar's aggregate classification.
Comment: This variant is classified as benign based on ACMG/AMP sequence variant interpretation guidelines (Richards et al. 2015 PMID: 25741868, with internal and published modifications).